The following is an entry in ClinVar:

NM_005529.7(HSPG2):c.2641G>A (p.Glu881Lys)

Gene: HSPG2 (heparan sulfate proteoglycan 2; minus strand). Cytogenetic location: 1p36.12.
Variant type: single nucleotide variant.
Coding change: c.2641G>A on transcript NM_005529.7 (MANE Select); coding-DNA position 2641, G replaced by A.
Protein change: p.Glu881Lys; replaces glutamic acid 881 with lysine.
Molecular consequence: missense variant.
Genome position (GRCh38, 1-based): chr1:21,878,230, C>T on the plus strand (G>A on the coding strand, the complement: HSPG2 is on the minus strand). VCF-style: chr1-21878230-C-T. GRCh37 (hg19) VCF-style: chr1-22204723-C-T.
Other names: c.2644G>A, p.Glu882Lys (NM_001291860.2); short protein forms E881K, E882K.
Identifiers: ClinVar variation 875715 (VCV000875715.5), dbSNP rs768350322, ClinGen allele CA672932.

ClinVar aggregate classification (germline): Uncertain significance. Review status: criteria provided, multiple submitters, no conflicts (2 of 4 stars). 3 submissions from 2 submitters: Uncertain significance (3). Last evaluated 2025-06-30.

Conditions:
Lethal Kniest-like syndrome (DDSH). Also called: Dyssegmental Dysplasia. Identifiers: Orphanet 1865, MedGen C1857100, MONDO:0009140, OMIM 224410.
Schwartz-Jampel syndrome. Also called: Myotonic myopathy dwarfism chondrodystrophy and ocular and facial abnormalities. Identifiers: Orphanet 800, MedGen C0036391, MONDO:0009717.

Allele frequency attached by ClinVar (database versions not stated): gnomAD exomes below 0.00001 and 0.00001; ExAC 0.00001; gnomAD 0.00001.
gnomAD v4.1: 9 of 1,613,792 alleles (0.00056%); highest among the groups gnomAD compares: Middle Eastern, 0.016%; no homozygotes.

Submissions (3):

GeneDx
Classification: Uncertain significance. Last evaluated: 2025-06-30. Review status: criteria provided, single submitter. Criteria: GeneDx Variant Classification Process June 2021. Collection method: clinical testing. Allele origin: germline. Affected: yes.
Comment: Not observed at significant frequency in large population cohorts (gnomAD); In silico analysis suggests that this missense variant does not alter protein structure/function; Has not been previously published as pathogenic or benign to our knowledge

Illumina Laboratory Services, Illumina
Classification: Uncertain significance for Lethal Kniest-like syndrome. Last evaluated: 2018-01-13. Review status: criteria provided, single submitter. Criteria: ICSL Variant Classification Criteria 13 December 2019. Collection method: clinical testing. Allele origin: germline.

Illumina Laboratory Services, Illumina
Classification: Uncertain significance for Schwartz-Jampel syndrome type 1. Last evaluated: 2018-01-13. Review status: criteria provided, single submitter. Criteria: ICSL Variant Classification Criteria 13 December 2019. Collection method: clinical testing. Allele origin: germline.